The following is an entry in ClinVar:

NM_002225.5(IVD):c.690T>C (p.Gly230=)

Gene: IVD (isovaleryl-CoA dehydrogenase; plus strand). Cytogenetic location: 15q15.1.
Variant type: single nucleotide variant.
Coding change: c.690T>C on transcript NM_002225.5 (MANE Select); coding-DNA position 690, T replaced by C.
Protein change: p.Gly230=; no amino-acid change (glycine 230 retained).
Molecular consequence: synonymous variant. On other transcripts: non-coding transcript variant (1).
Genome position (GRCh38, 1-based): chr15:40,412,993, T>C. VCF-style: chr15-40412993-T-C. GRCh37 (hg19) VCF-style: chr15-40705192-T-C.
Other names: c.600T>C, p.Gly200= (NM_001159508.3); c.642T>C, p.Gly214= (NM_001354597.3); c.690T>C, p.Gly230= (NM_001354598.3, NM_001354601.3); c.777T>C, p.Gly259= (NM_001354599.3, NM_001354600.3).
Identifiers: ClinVar variation 512292 (VCV000512292.15), dbSNP rs1182189552, ClinGen allele CA489742011.
Genomic context (GRCh38, chr15:40,412,993, plus strand): 5'-TTACCAGGCCCCCTTGGGGCTAATCTGTAACCAGGACCACCTTTTGTTTCCTGTAAAGGG[T>C]ATGCCTGGCTTTAGCACCTCTAAGAAGCTGGACAAGCTGGGGATGAGGGGCTCTAACACC-3'
Protein context (NP_002216.3, residues 220-240): RGITAFIVEK[Gly230=]MPGFSTSKKL

ClinVar aggregate classification (germline): Likely benign. Review status: criteria provided, multiple submitters, no conflicts (2 of 4 stars). 3 submissions from 3 submitters: Likely benign (2). 1 of the submissions does not count toward it. Last evaluated 2023-07-17.

Conditions:
Isovaleryl-CoA dehydrogenase deficiency (IVA). Also called: Classic Isovaleric Acidemia; IVD DEFICIENCY; Isovaleric acidemia; ISOVALERIC ACID CoA DEHYDROGENASE DEFICIENCY. Identifiers: Orphanet 33, MedGen C0268575, MONDO:0009475, OMIM 243500.

Allele frequency attached by ClinVar (database versions not stated): gnomAD exomes below 0.00001; gnomAD 0.00001; TOPMed 0.00001.
gnomAD v4.1: 9 of 1,613,492 alleles (0.00056%); highest among the groups gnomAD compares: Middle Eastern, 0.066%; no homozygotes.

Submissions (3):

Labcorp Genetics (formerly Invitae), Labcorp
Classification: Likely benign for Isovaleryl-CoA dehydrogenase deficiency. Last evaluated: 2023-07-17. Review status: criteria provided, single submitter. Criteria: Invitae Variant Classification Sherloc (09022015). Collection method: clinical testing. Allele origin: germline.

GeneDx
Classification: Likely benign. Last evaluated: 2017-10-13. Review status: criteria provided, single submitter. Criteria: GeneDx Variant Classification (06012015). Collection method: clinical testing. Allele origin: germline. Affected: yes.
Comment: This variant is considered likely benign or benign based on one or more of the following criteria: it is a conservative change, it occurs at a poorly conserved position in the protein, it is predicted to be benign by multiple in silico algorithms, and/or has population frequency not consistent with disease.

Natera, Inc.
Classification: Likely benign for Isovaleryl-coa dehydrogenase deficiency. Last evaluated: 2018-12-03. Review status: no assertion criteria provided. Collection method: clinical testing. Allele origin: germline. Not counted in ClinVar's aggregate classification.